The following is an entry in ClinVar:

NM_005188.4(CBL):c.45C>A (p.Ser15Arg)

Genes: CBL (Cbl proto-oncogene; plus strand), LOC130006895 (ATAC-STARR-seq lymphoblastoid silent region 3975; plus strand). Cytogenetic location: 11q23.3.
Variant type: single nucleotide variant.
Coding change: c.45C>A on transcript NM_005188.4 (MANE Select); coding-DNA position 45, C replaced by A.
Protein change: p.Ser15Arg; replaces serine 15 with arginine.
Molecular consequence: missense variant.
Genome position (GRCh38, 1-based): chr11:119,206,462, C>A. VCF-style: chr11-119206462-C-A. GRCh37 (hg19) VCF-style: chr11-119077172-C-A.
Other names: short protein forms S15R.
Identifiers: ClinVar variation 4219900 (VCV004219900.1).

ClinVar aggregate classification (germline): Uncertain significance (1 of 4 stars; one submission).

Conditions:
Cardiovascular phenotype. Identifiers: MedGen CN230736.

Submission:

Ambry Genetics
Classification: Uncertain significance for Cardiovascular phenotype. Last evaluated: 2025-08-12. Review status: criteria provided, single submitter. Criteria: Ambry Variant Classification Scheme 2023. Collection method: clinical testing. Allele origin: germline.
Comment: The p.S15R variant (also known as c.45C>A), located in coding exon 1 of the CBL gene, results from a C to A substitution at nucleotide position 45. The serine at codon 15 is replaced by arginine, an amino acid with dissimilar properties. This amino acid position is conserved. In addition, this alteration is predicted to be tolerated by in silico analysis. Based on the available evidence, the clinical significance of this variant remains unclear.